The following is an entry in ClinVar:

ClinVar aggregate classification (germline): Benign/Likely benign. Review status: criteria provided, multiple submitters, no conflicts (2 of 4 stars). 7 submissions from 7 submitters: Benign (1); Likely benign (6). Last evaluated 2026-07-17.

Conditions:
SMARCA4-related disorder. Also called: SMARCA4-related condition.
Hereditary cancer-predisposing syndrome. Also called: Hereditary Cancer Syndrome; Tumor predisposition; Hereditary neoplastic syndrome; Neoplastic Syndromes, Hereditary. Identifiers: Orphanet 140162, MedGen C0027672, MeSH D009386, MONDO:0015356.
Rhabdoid tumor predisposition syndrome 2 (RTPS2). Identifiers: Orphanet 231108, Orphanet 69077, MedGen C2750074, MONDO:0013224, OMIM 613325.

Allele frequency attached by ClinVar (database versions not stated): gnomAD exomes 0.00002; TOPMed 0.00003; gnomAD 0.00004; ExAC 0.00001; 1000 Genomes Project 30x 0.00016; 1000 Genomes Project 0.00020.
gnomAD v4.1: 31 of 1,611,966 alleles (0.0019%); highest among the groups gnomAD compares: Non-Finnish European, 0.0023%; no homozygotes.

Submissions (7):

Myriad Genetics, Inc.
Classification: Benign for Rhabdoid tumor predisposition syndrome 2. Last evaluated: 2026-07-17. Review status: criteria provided, single submitter. Criteria: Myriad Autosomal Dominant, Autosomal Recessive and X-Linked Classification Criteria (2023). Collection method: clinical testing. Allele origin: unknown.
Comment: This variant is considered benign. This variant is a silent/synonymous amino acid change and it is not expected to impact splicing.

Labcorp Genetics (formerly Invitae), Labcorp
Classification: Likely benign for Rhabdoid tumor predisposition syndrome 2. Last evaluated: 2025-12-21. Review status: criteria provided, single submitter. Criteria: Invitae Variant Classification Sherloc (09022015). Collection method: clinical testing. Allele origin: germline.

PreventionGenetics, part of Exact Sciences
Classification: Likely benign for SMARCA4-related condition. Last evaluated: 2025-03-31. Review status: criteria provided, single submitter. Criteria: ACMG Guidelines, 2015. Collection method: clinical testing. Allele origin: germline.
Comment: This variant is classified as likely benign based on ACMG/AMP sequence variant interpretation guidelines (Richards et al. 2015 PMID: 25741868, with internal and published modifications).

Ambry Genetics
Classification: Likely benign for Hereditary cancer-predisposing syndrome. Last evaluated: 2025-03-10. Review status: criteria provided, single submitter. Criteria: Ambry Variant Classification Scheme 2023. Collection method: clinical testing. Allele origin: germline.

Quest Diagnostics Nichols Institute San Juan Capistrano
Classification: Likely benign. Last evaluated: 2023-06-20. Review status: criteria provided, single submitter. Criteria: Quest Diagnostics criteria. Collection method: clinical testing. Allele origin: unknown.

Sema4
Classification: Likely benign for Hereditary cancer-predisposing syndrome. Last evaluated: 2022-01-19. Review status: criteria provided, single submitter. Criteria: Sema4 Curation Guidelines. Collection method: curation. Allele origin: germline.

GeneDx
Classification: Likely benign. Last evaluated: 2017-05-26. Review status: criteria provided, single submitter. Criteria: GeneDx Variant Classification (06012015). Collection method: clinical testing. Allele origin: germline. Affected: yes.
Comment: This variant is considered likely benign or benign based on one or more of the following criteria: it is a conservative change, it occurs at a poorly conserved position in the protein, it is predicted to be benign by multiple in silico algorithms, and/or has population frequency not consistent with disease.

NM_003072.5(SMARCA4):c.4050C>T (p.Asp1350=)

Gene: SMARCA4 (SWI/SNF related BAF chromatin remodeling complex subunit ATPase 4; plus strand). Cytogenetic location: 19p13.2.
Variant type: single nucleotide variant.
Coding change: c.4050C>T on transcript NM_003072.5 (MANE Select); coding-DNA position 4050, C replaced by T.
Protein change: p.Asp1350=; no amino-acid change (aspartic acid 1350 retained).
Molecular consequence: synonymous variant. On other transcripts: non-coding transcript variant (1).
Genome position (GRCh38, 1-based): chr19:11,035,012, C>T. VCF-style: chr19-11035012-C-T. GRCh37 (hg19) VCF-style: chr19-11145688-C-T.
Other names: c.4050C>T, p.Asp1350= (NM_001128844.3, NM_001128849.3, NM_001387283.1); c.3951C>T, p.Asp1317= (NM_001128845.2, NM_001128846.2, NM_001128847.4 and 2 more transcripts).
Identifiers: ClinVar variation 238448 (VCV000238448.21), dbSNP rs575792225, ClinGen allele CA9204585.